The following is an entry in ClinVar:

NM_000038.6(APC):c.-19+894G>T

Gene: APC (APC regulator of WNT signaling pathway; plus strand). Cytogenetic location: 5q22.2.
Variant type: single nucleotide variant.
Coding change: c.-19+894G>T on transcript NM_000038.6 (MANE Select); 894 bases into the intron after 19 bases upstream of the start codon, G replaced by T.
Molecular consequence: intron variant.
Genome position (GRCh38, 1-based): chr5:112,738,819, G>T. VCF-style: chr5-112738819-G-T. GRCh37 (hg19) VCF-style: chr5-112074516-G-T.
Other names: c.-18-16054G>T (NM_001354895.2); c.166-27507G>T (NM_001354897.2, NM_001354902.2, NM_001127511.3); c.-19+359G>T (NM_001127510.3); c.60+359G>T (NM_001354898.2, NM_001354904.2); c.-1054+894G>T (NM_001354906.2); c.-19+894G>T (NM_001354896.2, NM_001354903.2, NM_001354899.2); c.-43+894G>T (NM_001354900.2, NM_001354901.2, NM_001354905.2).
Identifiers: ClinVar variation 82747 (VCV000082747.2), dbSNP rs75329700, ClinGen allele CA007138.
Genomic context (GRCh38, chr5:112,738,819, plus strand): 5'-GAAAAAAAATTACTGTTTTTTAAAGTAGGAATAATGTCAGGCTATGAATGTTTTGTCATT[G>T]GAATGTATTGGACACTTTGATTCTACATCACGAAAGTGATGCTCAAATTCTTTGATTTAA-3'

ClinVar aggregate classification (germline): other (0 of 4 stars; one submission).

Conditions:
Familial colorectal cancer. Identifiers: MedGen CN280943, MONDO:0023113. Disease mechanism: loss of function.

Submission:

Systems Biology Platform Zhejiang California International NanoSystems Institute
Classification: other for Familial colorectal cancer. Review status: no assertion criteria provided. Collection method: not provided. Allele origin: unknown.
ClinVar note: Converted during submission from cancer to other.